The following is an entry in ClinVar:

NM_001378969.1(KCND3):c.651G>A (p.Pro217=)

Gene: KCND3 (potassium voltage-gated channel subfamily D member 3; minus strand). Cytogenetic location: 1p13.2.
Variant type: single nucleotide variant.
Coding change: c.651G>A on transcript NM_001378969.1 (MANE Select); coding-DNA position 651, G replaced by A.
Protein change: p.Pro217=; no amino-acid change (proline 217 retained).
Molecular consequence: synonymous variant.
Genome position (GRCh38, 1-based): chr1:111,982,076, C>T on the plus strand (G>A on the coding strand, the complement: KCND3 is on the minus strand). VCF-style: chr1-111982076-C-T. GRCh37 (hg19) VCF-style: chr1-112524698-C-T.
Other names: c.651G>A, p.Pro217= (NM_001378970.1, NM_004980.5, NM_172198.3).
Identifiers: ClinVar variation 507820 (VCV000507820.12), dbSNP rs186974111, ClinGen allele CA1007572.

ClinVar aggregate classification (germline): Likely benign. Review status: criteria provided, multiple submitters, no conflicts (2 of 4 stars). 3 submissions from 3 submitters: Likely benign (3). Last evaluated 2026-01-14.

Conditions:
Cardiovascular phenotype. Identifiers: MedGen CN230736.
Spinocerebellar ataxia type 19/22 (SCA19). Also called: SPINOCEREBELLAR ATAXIA 19; SPINOCEREBELLAR ATAXIA 22. Identifiers: Orphanet 98772, MedGen C1846367, MONDO:0011819, OMIM 607346.

Allele frequency attached by ClinVar (database versions not stated): gnomAD 0.00006 and 0.00009; TOPMed 0.00018; 1000 Genomes Project 30x 0.00078; 1000 Genomes Project 0.00080.
gnomAD v4.1: 96 of 1,613,712 alleles (0.0059%); highest among the groups gnomAD compares: Middle Eastern, 0.049%; no homozygotes.

Submissions (3):

Labcorp Genetics (formerly Invitae), Labcorp
Classification: Likely benign for Spinocerebellar ataxia type 19/22. Last evaluated: 2026-01-14. Review status: criteria provided, single submitter. Criteria: Invitae Variant Classification Sherloc (09022015). Collection method: clinical testing. Allele origin: germline.

Ambry Genetics
Classification: Likely benign for Cardiovascular phenotype. Last evaluated: 2022-05-30. Review status: criteria provided, single submitter. Criteria: Ambry Variant Classification Scheme 2023. Collection method: clinical testing. Allele origin: germline.

GeneDx
Classification: Likely benign. Last evaluated: 2017-03-07. Review status: criteria provided, single submitter. Criteria: GeneDx Variant Classification (06012015). Collection method: clinical testing. Allele origin: germline. Affected: yes.
Comment: This variant is considered likely benign or benign based on one or more of the following criteria: it is a conservative change, it occurs at a poorly conserved position in the protein, it is predicted to be benign by multiple in silico algorithms, and/or has population frequency not consistent with disease.